The following is an entry in ClinVar:

NM_001253697.2(ERBIN):c.2485A>G (p.Thr829Ala)

Gene: ERBIN (erbb2 interacting protein; plus strand). Cytogenetic location: 5q12.3.
Variant type: single nucleotide variant.
Coding change: c.2485A>G on transcript NM_001253697.2 (MANE Select); coding-DNA position 2485, A replaced by G.
Protein change: p.Thr829Ala; replaces threonine 829 with alanine.
Molecular consequence: missense variant.
Genome position (GRCh38, 1-based): chr5:66,053,803, A>G. VCF-style: chr5-66053803-A-G. GRCh37 (hg19) VCF-style: chr5-65349631-A-G.
Other names: c.2485A>G, p.Thr829Ala (NM_001006600.3, NM_001253698.2, NM_001253699.2 and 1 more transcripts); c.2473A>G, p.Thr825Ala (NM_001253701.2); short protein forms T825A, T829A.
Identifiers: ClinVar variation 2768015 (VCV002768015.3), dbSNP rs2546811924, ClinGen allele CA359866974.

ClinVar aggregate classification (germline): Uncertain significance (1 of 4 stars; one submission).

Submission:

Labcorp Genetics (formerly Invitae), Labcorp
Classification: Uncertain significance. Last evaluated: 2023-10-13. Review status: criteria provided, single submitter. Criteria: Invitae Variant Classification Sherloc (09022015). Collection method: clinical testing. Allele origin: germline.
Comment: This sequence change replaces threonine, which is neutral and polar, with alanine, which is neutral and non-polar, at codon 829 of the ERBIN protein (p.Thr829Ala). This variant is not present in population databases (gnomAD no frequency). This variant has not been reported in the literature in individuals affected with ERBIN-related conditions. Algorithms developed to predict the effect of missense changes on protein structure and function output the following: SIFT: "Not Available"; PolyPhen-2: "Benign"; Align-GVGD: "Not Available". The alanine amino acid residue is found in multiple mammalian species, which suggests that this missense change does not adversely affect protein function. In summary, the available evidence is currently insufficient to determine the role of this variant in disease. Therefore, it has been classified as a Variant of Uncertain Significance.